The following is an entry in ClinVar:

NM_001242896.3(DEPDC5):c.1021G>T (p.Gly341Cys)

Gene: DEPDC5 (DEP domain containing 5, GATOR1 subcomplex subunit; plus strand). Cytogenetic location: 22q12.3.
Variant type: single nucleotide variant.
Coding change: c.1021G>T on transcript NM_001242896.3 (MANE Select); coding-DNA position 1021, G replaced by T.
Protein change: p.Gly341Cys; replaces glycine 341 with cysteine.
Molecular consequence: missense variant. On other transcripts: non-coding transcript variant (5).
Genome position (GRCh38, 1-based): chr22:31,802,778, G>T. VCF-style: chr22-31802778-G-T. GRCh37 (hg19) VCF-style: chr22-32198764-G-T.
Other names: c.1021G>T, p.Gly341Cys (NM_001007188.4, NM_001136029.4, NM_001242897.2 and 7 more transcripts); c.937G>T, p.Gly313Cys (NM_001369901.1, NM_001369902.1); short protein forms G313C, G341C.
Identifiers: ClinVar variation 2305883 (VCV002305883.5), dbSNP rs767594913, ClinGen allele CA10196202.
Genomic context (GRCh38, chr22:31,802,778, plus strand): 5'-TACATCAACCGCAACTTTGACCGAACTGGGCAGATGTCAGTGGTGATCACGCCCGGGGTG[G>T]GTGTCTTTGAAGTGGACCGCCTACTCATGATCCTGACCAAGCAGCGGATGATAGATAATG-3'
Protein context (NP_001229825.1, residues 331-351): QMSVVITPGV[Gly341Cys]VFEVDRLLMI

ClinVar aggregate classification (germline): Uncertain significance. Review status: criteria provided, multiple submitters, no conflicts (2 of 4 stars). 3 submissions from 3 submitters: Uncertain significance (3). Last evaluated 2025-10-14.

Conditions:
Inborn genetic diseases. Identifiers: MedGen C0950123, MeSH D030342.
Familial focal epilepsy with variable foci (FPEVF). Identifiers: Orphanet 98820, MedGen C1858477, MONDO:0020310.
Focal epilepsy. Also called: partial epilepsy. Identifiers: MedGen C0014547, MeSH D004828, MONDO:0005384.

Allele frequency attached by ClinVar (database versions not stated): TOPMed 0.00001.
gnomAD v4.1: 25 of 1,605,408 alleles (0.0016%); highest among the groups gnomAD compares: Non-Finnish European, 0.0019%; no homozygotes.

Submissions (3):

Labcorp Genetics (formerly Invitae), Labcorp
Classification: Uncertain significance for Familial focal epilepsy with variable foci. Last evaluated: 2025-10-14. Review status: criteria provided, single submitter. Criteria: Invitae Variant Classification Sherloc (09022015). Collection method: clinical testing. Allele origin: germline.
Comment: This sequence change replaces glycine, which is neutral and non-polar, with cysteine, which is neutral and slightly polar, at codon 341 of the DEPDC5 protein (p.Gly341Cys). This variant is present in population databases (rs767594913, gnomAD 0.005%). This variant has not been reported in the literature in individuals affected with DEPDC5-related conditions. ClinVar contains an entry for this variant (Variation ID: 2305883). Experimental studies and prediction algorithms are not available or were not evaluated, and the functional significance of this variant is currently unknown. In summary, the available evidence is currently insufficient to determine the role of this variant in disease. Therefore, it has been classified as a Variant of Uncertain Significance.

Department of Pathology and Laboratory Medicine, Sinai Health System
Classification: Uncertain significance for focal epilepsy. Last evaluated: 2022-09-12. Review status: criteria provided, single submitter. Criteria: ACMG Guidelines, 2015. Collection method: research. Allele origin: germline.

Ambry Genetics
Classification: Uncertain significance for Inborn genetic diseases. Last evaluated: 2022-08-08. Review status: criteria provided, single submitter. Criteria: Ambry Variant Classification Scheme 2023. Collection method: clinical testing. Allele origin: germline.